The following is an entry in ClinVar:

NM_198076.6(COX20):c.221+268C>T

Gene: COX20 (cytochrome c oxidase assembly factor COX20; plus strand). Cytogenetic location: 1q44.
Variant type: single nucleotide variant.
Coding change: c.221+268C>T on transcript NM_198076.6 (MANE Select); 268 bases into the intron after coding-DNA position 221, C replaced by T.
Molecular consequence: intron variant.
Genome position (GRCh38, 1-based): chr1:244,842,526, C>T. VCF-style: chr1-244842526-C-T. GRCh37 (hg19) VCF-style: chr1-245005828-C-T.
Other names: c.221+268C>T (NM_001312871.1); c.257+268C>T (NM_001312872.1); c.31+268C>T (NM_001312874.1); c.86+268C>T (NM_001312873.1).
Identifiers: ClinVar variation 683601 (VCV000683601.2), dbSNP rs12070200, ClinGen allele CA15076994.

ClinVar aggregate classification (germline): Benign. Review status: criteria provided, multiple submitters, no conflicts (2 of 4 stars). 2 submissions from 2 submitters: Benign (2). Last evaluated 2018-06-14.

Allele frequency attached by ClinVar (database versions not stated): 1000 Genomes Project 0.11581; 1000 Genomes Project 30x 0.11930; gnomAD exomes 0.13334; gnomAD 0.13679 and 0.13849; TOPMed 0.13932.

Submissions (2):

GeneDx
Classification: Benign. Last evaluated: 2018-06-14. Review status: criteria provided, single submitter. Criteria: GeneDx Variant Classification (06012015). Collection method: clinical testing. Allele origin: germline. Affected: yes.
Comment: This variant is considered likely benign or benign based on one or more of the following criteria: it is a conservative change, it occurs at a poorly conserved position in the protein, it is predicted to be benign by multiple in silico algorithms, and/or has population frequency not consistent with disease.

Breakthrough Genomics
Classification: Benign. Review status: criteria provided, single submitter. Criteria: ACMG Guidelines, 2015. Collection method: not provided. Allele origin: germline. Inheritance: Autosomal recessive inheritance. Affected: yes.